The following is an entry in ClinVar:

ClinVar aggregate classification (germline): Uncertain significance (1 of 4 stars; one submission).

Allele frequency attached by ClinVar (database versions not stated): gnomAD 0.00001; ESP Exome Variant Server 0.00008.

Submission:

Labcorp Genetics (formerly Invitae), Labcorp
Classification: Uncertain significance. Last evaluated: 2022-01-21. Review status: criteria provided, single submitter. Criteria: Invitae Variant Classification Sherloc (09022015). Collection method: clinical testing. Allele origin: germline.
Comment: This sequence change replaces glutamic acid, which is acidic and polar, with lysine, which is basic and polar, at codon 249 of the WDR62 protein (p.Glu249Lys). This variant is present in population databases (rs149143413, gnomAD 0.006%). This variant has not been reported in the literature in individuals affected with WDR62-related conditions. Algorithms developed to predict the effect of missense changes on protein structure and function are either unavailable or do not agree on the potential impact of this missense change (SIFT: "Deleterious"; PolyPhen-2: "Probably Damaging"; Align-GVGD: "Class C0"). In summary, the available evidence is currently insufficient to determine the role of this variant in disease. Therefore, it has been classified as a Variant of Uncertain Significance.

NM_001083961.2(WDR62):c.745G>A (p.Glu249Lys)

Gene: WDR62 (WD repeat domain 62; plus strand). Cytogenetic location: 19q13.12.
Variant type: single nucleotide variant.
Coding change: c.745G>A on transcript NM_001083961.2 (MANE Select); coding-DNA position 745, G replaced by A.
Protein change: p.Glu249Lys; replaces glutamic acid 249 with lysine.
Molecular consequence: missense variant.
Genome position (GRCh38, 1-based): chr19:36,067,873, G>A. VCF-style: chr19-36067873-G-A. GRCh37 (hg19) VCF-style: chr19-36558775-G-A.
Other names: c.745G>A, p.Glu249Lys (NM_001411145.1, NM_001411146.1, NM_001411147.1 and 1 more transcripts); short protein forms E249K.
Identifiers: ClinVar variation 2088968 (VCV002088968.1), dbSNP rs149143413, ClinGen allele CA9395375.